The following is an entry in ClinVar:

ClinVar aggregate classification (germline): Uncertain significance (1 of 4 stars; one submission).

Conditions:
Naxos disease (NXD). Also called: KERATOSIS PALMOPLANTARIS WITH ARRHYTHMOGENIC CARDIOMYOPATHY; MAL DE NAXOS; PALMOPLANTAR KERATODERMA WITH ARRHYTHMOGENIC RIGHT VENTRICULAR CARDIOMYOPATHY AND WOOLLY HAIR; WOOLLY HAIR, PALMOPLANTAR KERATODERMA, AND CARDIAC ABNORMALITIES; CARDIOMYOPATHY, ARRHYTHMOGENIC RIGHT VENTRICULAR, WITH SKIN, HAIR, AND NAIL ABNORMALITIES. Identifiers: Orphanet 34217, MedGen C1832600, MONDO:0011017, OMIM 601214.
Arrhythmogenic right ventricular dysplasia 12. Also called: ARRHYTHMOGENIC RIGHT VENTRICULAR DYSPLASIA, FAMILIAL, 12. Identifiers: MedGen C1969081, MONDO:0012684, OMIM 611528.

Submission:

Labcorp Genetics (formerly Invitae), Labcorp
Classification: Uncertain significance for Arrhythmogenic right ventricular dysplasia 12; Naxos disease. Last evaluated: 2024-08-04. Review status: criteria provided, single submitter. Criteria: Invitae Variant Classification Sherloc (09022015). Collection method: clinical testing. Allele origin: germline.
Comment: This sequence change replaces asparagine, which is neutral and polar, with lysine, which is basic and polar, at codon 167 of the JUP protein (p.Asn167Lys). This variant is not present in population databases (gnomAD no frequency). This variant has not been reported in the literature in individuals affected with JUP-related conditions. An algorithm developed to predict the effect of missense changes on protein structure and function (PolyPhen-2) suggests that this variant is likely to be tolerated. In summary, the available evidence is currently insufficient to determine the role of this variant in disease. Therefore, it has been classified as a Variant of Uncertain Significance.

NM_002230.4(JUP):c.501C>G (p.Asn167Lys)

Gene: JUP (junction plakoglobin; minus strand). Cytogenetic location: 17q21.2.
Variant type: single nucleotide variant.
Coding change: c.501C>G on transcript NM_002230.4 (MANE Select); coding-DNA position 501, C replaced by G.
Protein change: p.Asn167Lys; replaces asparagine 167 with lysine.
Molecular consequence: missense variant.
Genome position (GRCh38, 1-based): chr17:41,769,175, G>C on the plus strand (C>G on the coding strand, the complement: JUP is on the minus strand). VCF-style: chr17-41769175-G-C. GRCh37 (hg19) VCF-style: chr17-39925427-G-C.
Other names: c.501C>G, p.Asn167Lys (NM_021991.4, NM_001352773.2, NM_001352774.2 and 3 more transcripts); short protein forms N167K.
Identifiers: ClinVar variation 3751142 (VCV003751142.2).